The following is an entry in ClinVar:

ClinVar aggregate classification (germline): Uncertain significance. Review status: criteria provided, multiple submitters, no conflicts (2 of 4 stars). 2 submissions from 2 submitters: Uncertain significance (2). Last evaluated 2024-05-27.

Conditions:
Autosomal dominant osteopetrosis 1 (OPTA1). Also called: OSTEOPETROSIS, AUTOSOMAL DOMINANT, TYPE I. Identifiers: Orphanet 2783, MedGen C1843330, MONDO:0011877, OMIM 607634.
Bone mineral density quantitative trait locus 1 (BMND1). Identifiers: MedGen C1866079, OMIM 601884.
Worth disease. Also called: ENDOSTEAL HYPEROSTOSIS, AUTOSOMAL DOMINANT; OSTEOSCLEROSIS, AUTOSOMAL DOMINANT; Autosomal dominant osteosclerosis, Worth type. Identifiers: Orphanet 2790, MedGen C0432273, MONDO:0007764, OMIM 144750.
Osteoporosis with pseudoglioma (OPPG). Also called: osteoporosis-pseudoglioma syndrome. Identifiers: Orphanet 2788, MedGen C0432252, MONDO:0009820, OMIM 259770.
Polycystic liver disease 4 with or without kidney cysts. Identifiers: MedGen C4693479, MONDO:0044327, OMIM 617875.
Exudative vitreoretinopathy 4 (EVR4). Identifiers: Orphanet 891, MedGen C1866176, MONDO:0011151, OMIM 601813.

gnomAD v4.1: 3 of 1,612,922 alleles (0.00019%); highest among the groups gnomAD compares: African/African-American, 0.004%; no homozygotes.

Submissions (2):

Fulgent Genetics
Classification: Uncertain significance for Worth disease; Osteoporosis with pseudoglioma; Exudative vitreoretinopathy 4; Bone mineral density quantitative trait locus 1; Autosomal dominant osteopetrosis 1; Polycystic liver disease 4 with or without kidney cysts. Last evaluated: 2024-05-27. Review status: criteria provided, single submitter. Criteria: ACMG Guidelines, 2015. Collection method: clinical testing. Allele origin: germline.

Labcorp Genetics (formerly Invitae), Labcorp
Classification: Uncertain significance. Last evaluated: 2022-03-14. Review status: criteria provided, single submitter. Criteria: Invitae Variant Classification Sherloc (09022015). Collection method: clinical testing. Allele origin: germline.
Comment: In summary, the available evidence is currently insufficient to determine the role of this variant in disease. Therefore, it has been classified as a Variant of Uncertain Significance. Advanced modeling of protein sequence and biophysical properties (such as structural, functional, and spatial information, amino acid conservation, physicochemical variation, residue mobility, and thermodynamic stability) performed at Invitae indicates that this missense variant is not expected to disrupt LRP5 protein function. This variant has not been reported in the literature in individuals affected with LRP5-related conditions. This variant is present in population databases (no rsID available, gnomAD 0.01%). This sequence change replaces glycine, which is neutral and non-polar, with cysteine, which is neutral and slightly polar, at codon 1442 of the LRP5 protein (p.Gly1442Cys).

NM_002335.4(LRP5):c.4324G>T (p.Gly1442Cys)

Gene: LRP5 (LDL receptor related protein 5; plus strand). Cytogenetic location: 11q13.2.
Variant type: single nucleotide variant.
Coding change: c.4324G>T on transcript NM_002335.4 (MANE Select); coding-DNA position 4324, G replaced by T.
Protein change: p.Gly1442Cys; replaces glycine 1442 with cysteine.
Molecular consequence: missense variant.
Genome position (GRCh38, 1-based): chr11:68,438,658, G>T. VCF-style: chr11-68438658-G-T. GRCh37 (hg19) VCF-style: chr11-68206126-G-T.
Other names: c.2581G>T, p.Gly861Cys (NM_001291902.2); short protein forms G861C, G1442C.
Identifiers: ClinVar variation 1916446 (VCV001916446.6), dbSNP rs778882996, ClinGen allele CA381615295.